The following is an entry in ClinVar:

ClinVar aggregate classification (germline): Likely pathogenic (1 of 4 stars; one submission).

Conditions:
Stromme syndrome (STROMS). Also called: Strømme Syndrome; Ciliary dyskinesia, primary, 31; APPLE PEEL SYNDROME WITH MICROCEPHALY AND OCULAR ANOMALIES. Identifiers: Orphanet 444069, Orphanet 506307, MedGen C1855705, MONDO:0009477, OMIM 243605.

Submission:

Juno Genomics, Hangzhou Juno Genomics, Inc
Classification: Likely pathogenic for Stromme syndrome. Review status: criteria provided, single submitter. Criteria: ACMG Guidelines, 2015. Collection method: clinical testing. Allele origin: germline.
Comment: Absent from controls (or at extremely low frequency if recessive) in Genome Aggregation Database.;Null variant in a gene where loss of function (LOF) is a known mechanism of disease.

NM_016343.4(CENPF):c.714del (p.Arg239fs)

Gene: CENPF (centromere protein F; plus strand). Cytogenetic location: 1q41.
Variant type: Deletion.
Coding change: c.714del on transcript NM_016343.4 (MANE Select); coding-DNA position 714, one base deleted (G; older notation c.714delG).
Protein change: p.Arg239fs; shifts the reading frame from arginine 239.
Molecular consequence: frameshift variant.
Genome position (GRCh38, 1-based): chr1:214,620,795, G deleted; the last of 2 consecutive G bases (chr1:214,620,794-214,620,795); deleting either gives the same sequence. VCF-style (leftmost placement, unchanged base first): chr1-214620793-AG-A. GRCh37 (hg19) VCF-style: chr1-214794136-AG-A.
Other names: short protein forms R239fs.
Identifiers: ClinVar variation 5019049 (VCV005019049.2).